The following is an entry in ClinVar:

ClinVar aggregate classification (germline): Pathogenic/Likely pathogenic. Review status: criteria provided, multiple submitters, no conflicts (2 of 4 stars). 5 submissions from 5 submitters: Pathogenic (1); Likely pathogenic (4). Last evaluated 2026-06-01.

Conditions:
OTOF-related disorder. Also called: OTOF-related condition.
Nonsyndromic genetic hearing loss. Also called: Non-syndromic genetic deafness; Nonsyndromic hearing loss and deafness; Nonsyndromic genetic deafness. Identifiers: Orphanet 87884, MedGen C5680182, MONDO:0019497.
Autosomal recessive nonsyndromic hearing loss 9. Also called: Deafness, autosomal recessive 9; NEUROSENSORY NONSYNDROMIC RECESSIVE DEAFNESS 9; OTOF-Related Hearing Loss; AUDITORY NEUROPATHY, AUTOSOMAL RECESSIVE, 1, TEMPERATURE-SENSITIVE. Identifiers: Orphanet 90636, MedGen C1832828, MONDO:0010986, OMIM 601071.

Submissions (5):

PreventionGenetics, part of Exact Sciences
Classification: Likely pathogenic for OTOF-related condition. Last evaluated: 2026-06-01. Review status: criteria provided, single submitter. Criteria: ACMG Guidelines, 2015. Collection method: clinical testing. Allele origin: germline.
Comment: The OTOF c.1172delA variant is predicted to result in a frameshift and premature protein termination (p.Lys391Argfs*31). This variant was reported in an individual with hearing loss (Tang et al. 2015. PubMed ID: 25991456). This variant is reported in 0.012% of alleles in individuals of African descent in gnomAD. Frameshift variants in OTOF are expected to be pathogenic. This variant is interpreted as pathogenic.

Labcorp Genetics (formerly Invitae), Labcorp
Classification: Pathogenic. Last evaluated: 2023-08-22. Review status: criteria provided, single submitter. Criteria: Invitae Variant Classification Sherloc (09022015). Collection method: clinical testing. Allele origin: germline.
Comment: For these reasons, this variant has been classified as Pathogenic. ClinVar contains an entry for this variant (Variation ID: 133309). This premature translational stop signal has been observed in individual(s) with auditory neuropathy (PMID: 25991456). This variant is present in population databases (rs483353050, gnomAD 0.01%). This sequence change creates a premature translational stop signal (p.Lys391Argfs*31) in the OTOF gene. It is expected to result in an absent or disrupted protein product. Loss-of-function variants in OTOF are known to be pathogenic (PMID: 18381613, 19250381, 22575033).

Women's Health and Genetics/Laboratory Corporation of America, LabCorp
Classification: Likely pathogenic for Nonsyndromic genetic hearing loss. Last evaluated: 2023-04-06. Review status: criteria provided, single submitter. Criteria: LabCorp Variant Classification Summary - May 2015. Collection method: clinical testing. Allele origin: germline.
Comment: Variant summary: OTOF c.1172delA (p.Lys391ArgfsX31) results in a premature termination codon, predicted to cause a truncation of the encoded protein or absence of the protein due to nonsense mediated decay, which are commonly known mechanisms for disease. Truncations downstream of this position have been classified as pathogenic by our laboratory. The variant allele was found at a frequency of 8e-06 in 250524 control chromosomes (gnomAD). c.1172delA has been reported in the literature in an individual affected with auditory neuropathy (example: Tang_2015). These report(s) do not provide unequivocal conclusions about association of the variant with Nonsyndromic Hearing Loss And Deafness, Type 9. To our knowledge, no experimental evidence demonstrating an impact on protein function has been reported. One clinical diagnostic laboratory has submitted clinical-significance assessments for this variant to ClinVar after 2014 and classified the variant as likely pathogenic. Based on the evidence outlined above, the variant was classified as likely pathogenic.

Fulgent Genetics
Classification: Likely pathogenic for Autosomal recessive nonsyndromic hearing loss 9. Last evaluated: 2021-08-10. Review status: criteria provided, single submitter. Criteria: ACMG Guidelines, 2015. Collection method: clinical testing. Allele origin: unknown.

Molecular Genetics Laboratory; Baylor College of Medicine
Classification: Likely pathogenic. Review status: criteria provided, single submitter. Criteria: Submitter's publication. Collection method: not provided. Allele origin: unknown.
ClinVar note: Converted during submission from probable-pathogenic to Likely pathogenic.

Literature cited by the submitters: PubMed 25991456 (cited by Labcorp Genetics (formerly Invitae), Labcorp and Women's Health and Genetics/Laboratory Corporation of America, LabCorp); PubMed 18381613 (cited by Labcorp Genetics (formerly Invitae), Labcorp); PubMed 19250381 (cited by Labcorp Genetics (formerly Invitae), Labcorp); PubMed 22575033 (cited by Labcorp Genetics (formerly Invitae), Labcorp).

NM_194248.3(OTOF):c.1172del (p.Lys391fs)

Gene: OTOF (otoferlin; minus strand). Cytogenetic location: 2p23.3.
Variant type: Deletion.
Coding change: c.1172del on transcript NM_194248.3 (MANE Select); coding-DNA position 1172, one base deleted (A; older notation c.1172delA).
Protein change: p.Lys391fs; shifts the reading frame from lysine 391.
Molecular consequence: frameshift variant.
Genome position (GRCh38, 1-based): chr2:26,484,507, T deleted on the plus strand (A on the coding strand, the reverse complement: OTOF is on the minus strand); the first of 2 consecutive T bases (chr2:26,484,507-26,484,508); deleting either gives the same sequence. VCF-style (leftmost placement, unchanged base first): chr2-26484506-CT-C. GRCh37 (hg19) VCF-style: chr2-26707374-CT-C.
Other names: c.1172del, p.Lys391fs (NM_001287489.2); c.1172delA (NM_194248.2); short protein forms K391fs.
Identifiers: ClinVar variation 133309 (VCV000133309.8), dbSNP rs483353050, ClinGen allele CA269913.